The following is an entry in ClinVar:

NM_001037131.3(AGAP1):c.2086C>T (p.Arg696Trp)

Gene: AGAP1 (ArfGAP with GTPase domain, ankyrin repeat and PH domain 1; plus strand). Cytogenetic location: 2q37.2.
Variant type: single nucleotide variant.
Coding change: c.2086C>T on transcript NM_001037131.3 (MANE Select); coding-DNA position 2086, C replaced by T.
Protein change: p.Arg696Trp; replaces arginine 696 with tryptophan.
Molecular consequence: missense variant.
Genome position (GRCh38, 1-based): chr2:236,049,253, C>T. VCF-style: chr2-236049253-C-T. GRCh37 (hg19) VCF-style: chr2-236957897-C-T.
Other names: c.1927C>T, p.Arg643Trp (NM_014914.5); short protein forms R643W, R696W.
Identifiers: ClinVar variation 3505173 (VCV003505173.3).

ClinVar aggregate classification (germline): Uncertain significance. Review status: criteria provided, multiple submitters, no conflicts (2 of 4 stars). 2 submissions from 2 submitters: Uncertain significance (2). Last evaluated 2026-01-02.

gnomAD v4.1: 116 of 1,614,106 alleles (0.0072%); highest among the groups gnomAD compares: African/African-American, 0.06%; no homozygotes.

Submissions (2):

Labcorp Genetics (formerly Invitae), Labcorp
Classification: Uncertain significance. Last evaluated: 2026-01-02. Review status: criteria provided, single submitter. Criteria: Invitae Variant Classification Sherloc (09022015). Collection method: clinical testing. Allele origin: germline.
Comment: This sequence change replaces arginine, which is basic and polar, with tryptophan, which is neutral and slightly polar, at codon 643 of the AGAP1 protein (p.Arg643Trp). This variant is present in population databases (rs144972802, gnomAD 0.05%). This variant has not been reported in the literature in individuals affected with AGAP1-related conditions. ClinVar contains an entry for this variant (Variation ID: 3505173). An algorithm developed to predict the effect of missense changes on protein structure and function (PolyPhen-2) suggests that this variant is likely to be tolerated. In summary, the available evidence is currently insufficient to determine the role of this variant in disease. Therefore, it has been classified as a Variant of Uncertain Significance.

Ambry Genetics
Classification: Uncertain significance. Last evaluated: 2024-10-19. Review status: criteria provided, single submitter. Criteria: Ambry Variant Classification Scheme 2023. Collection method: clinical testing. Allele origin: germline.